The following is an entry in ClinVar:

NM_001374259.2(IL12RB2):c.464C>T (p.Thr155Ile)

Gene: IL12RB2 (interleukin 12 receptor subunit beta 2; plus strand). Cytogenetic location: 1p31.3.
Variant type: single nucleotide variant.
Coding change: c.464C>T on transcript NM_001374259.2 (MANE Select); coding-DNA position 464, C replaced by T.
Protein change: p.Thr155Ile; replaces threonine 155 with isoleucine.
Molecular consequence: missense variant. On other transcripts: non-coding transcript variant (2).
Genome position (GRCh38, 1-based): chr1:67,326,834, C>T. VCF-style: chr1-67326834-C-T. GRCh37 (hg19) VCF-style: chr1-67792517-C-T.
Other names: c.464C>T, p.Thr155Ile (NM_001258214.1, NM_001258215.1, NM_001258216.1 and 2 more transcripts); short protein forms T155I.
Identifiers: ClinVar variation 1981957 (VCV001981957.4), dbSNP rs1460665919, ClinGen allele CA340732039.

ClinVar aggregate classification (germline): Uncertain significance (1 of 4 stars; one submission).

Allele frequency attached by ClinVar (database versions not stated): gnomAD exomes below 0.00001; TOPMed 0.00001.
gnomAD v4.1: 4 of 1,611,556 alleles (0.00025%); highest among the groups gnomAD compares: Non-Finnish European, 0.00034%; no homozygotes.

Submission:

Labcorp Genetics (formerly Invitae), Labcorp
Classification: Uncertain significance. Last evaluated: 2024-03-04. Review status: criteria provided, single submitter. Criteria: Invitae Variant Classification Sherloc (09022015). Collection method: clinical testing. Allele origin: germline.
Comment: This sequence change replaces threonine, which is neutral and polar, with isoleucine, which is neutral and non-polar, at codon 155 of the IL12RB2 protein (p.Thr155Ile). This variant is present in population databases (no rsID available, gnomAD 0.0009%). This variant has not been reported in the literature in individuals affected with IL12RB2-related conditions. ClinVar contains an entry for this variant (Variation ID: 1981957). An algorithm developed to predict the effect of missense changes on protein structure and function (PolyPhen-2) suggests that this variant is likely to be disruptive. In summary, the available evidence is currently insufficient to determine the role of this variant in disease. Therefore, it has been classified as a Variant of Uncertain Significance.